The following is an entry in ClinVar:

NM_017780.4(CHD7):c.5798C>A (p.Ala1933Asp)

Gene: CHD7 (chromodomain helicase DNA binding protein 7; plus strand). Cytogenetic location: 8q12.2.
Variant type: single nucleotide variant.
Coding change: c.5798C>A on transcript NM_017780.4 (MANE Select); coding-DNA position 5798, C replaced by A.
Protein change: p.Ala1933Asp; replaces alanine 1933 with aspartic acid.
Molecular consequence: missense variant. On other transcripts: intron variant (1).
Genome position (GRCh38, 1-based): chr8:60,852,151, C>A. VCF-style: chr8-60852151-C-A. GRCh37 (hg19) VCF-style: chr8-61764710-C-A.
Other names: c.1717-10078C>A (NM_001316690.1); short protein forms A1933D.
Identifiers: ClinVar variation 1310587 (VCV001310587.5), dbSNP rs773867024, ClinGen allele CA4760463.

ClinVar aggregate classification (germline): Conflicting classifications of pathogenicity. Review status: criteria provided, conflicting classifications (1 of 4 stars). 2 submissions from 2 submitters: Uncertain significance (1); Likely benign (1). Last evaluated 2022-12-22.

Conditions:
CHARGE syndrome (CHARGE). Also called: Hittner Hirsch Kreh syndrome; CHARGE ASSOCIATION--COLOBOMA, HEART ANOMALY, CHOANAL ATRESIA, RETARDATION, GENITAL AND EAR ANOMALIES; Coloboma, heart anomaly, choanal atresia, retardation, genital and ear anomalies; CHARGE association; Hall-Hittner syndrome. Identifiers: Orphanet 138, MedGen C0265354, MONDO:0008965.

Allele frequency attached by ClinVar (database versions not stated): gnomAD exomes below 0.00001; TOPMed below 0.00001; ExAC 0.00001.
gnomAD v4.1: 1 of 1,613,984 alleles (0.000062%); no homozygotes.

Submissions (2):

Labcorp Genetics (formerly Invitae), Labcorp
Classification: Likely benign for CHARGE syndrome. Last evaluated: 2022-12-22. Review status: criteria provided, single submitter. Criteria: Invitae Variant Classification Sherloc (09022015). Collection method: clinical testing. Allele origin: germline.

GeneDx
Classification: Uncertain significance. Last evaluated: 2019-11-29. Review status: criteria provided, single submitter. Criteria: GeneDx Variant Classification Process June 2021. Collection method: clinical testing. Allele origin: germline. Affected: yes.
Comment: Not observed at a significant frequency in large population cohorts (Lek et al., 2016); In silico analysis, which includes protein predictors and evolutionary conservation, supports that this variant does not alter protein structure/function; Has not been previously published as pathogenic or benign to our knowledge